The following is an entry in ClinVar:

NM_005476.7(GNE):c.1361T>C (p.Val454Ala)

Gene: GNE (glucosamine (UDP-N-acetyl)-2-epimerase/N-acetylmannosamine kinase; minus strand). Cytogenetic location: 9p13.3.
Variant type: single nucleotide variant.
Coding change: c.1361T>C on transcript NM_005476.7 (MANE Select); coding-DNA position 1361, T replaced by C.
Protein change: p.Val454Ala; replaces valine 454 with alanine.
Molecular consequence: missense variant.
Genome position (GRCh38, 1-based): chr9:36,223,423, A>G on the plus strand (T>C on the coding strand, the complement: GNE is on the minus strand). VCF-style: chr9-36223423-A-G. GRCh37 (hg19) VCF-style: chr9-36223420-A-G.
Other names: c.1454T>C, p.Val485Ala (NM_001128227.3); c.1361T>C, p.Val454Ala (NM_001190383.3); c.1031T>C, p.Val344Ala (NM_001190384.3); c.1184T>C, p.Val395Ala (NM_001190388.2, NM_001374798.1); c.1208T>C, p.Val403Ala (NM_001374797.1); short protein forms V344A, V395A, V403A, V454A, V485A.
Identifiers: ClinVar variation 1053339 (VCV001053339.6), dbSNP rs2133024315, ClinGen allele CA373427304.

ClinVar aggregate classification (germline): Uncertain significance (1 of 4 stars; one submission).

Conditions:
Sialuria. Also called: Sialic Acid Storage Disease; SIALURIA, FRENCH TYPE. Identifiers: Orphanet 3166, MedGen C0342853, MONDO:0010028, OMIM 269921.
GNE myopathy (NM). Also called: NONAKA DISTAL MYOPATHY; INCLUSION BODY MYOPATHY 2, AUTOSOMAL RECESSIVE; MYOPATHY, DISTAL, WITH OR WITHOUT RIMMED VACUOLES; INCLUSION BODY MYOPATHY, HEREDITARY, AUTOSOMAL RECESSIVE; IBM 2; Inclusion body myopathy autosomal recessive. Identifiers: Orphanet 602, MedGen C1853926, MONDO:0011603, OMIM 605820.

Submission:

Labcorp Genetics (formerly Invitae), Labcorp
Classification: Uncertain significance for Sialuria; GNE myopathy. Last evaluated: 2021-08-31. Review status: criteria provided, single submitter. Criteria: Invitae Variant Classification Sherloc (09022015). Collection method: clinical testing. Allele origin: germline.
Comment: This sequence change replaces valine with alanine at codon 485 of the GNE protein (p.Val485Ala). The valine residue is highly conserved and there is a small physicochemical difference between valine and alanine. This variant is not present in population databases (ExAC no frequency). This variant has not been reported in the literature in individuals affected with GNE-related conditions. Algorithms developed to predict the effect of missense changes on protein structure and function (SIFT, PolyPhen-2, Align-GVGD) all suggest that this variant is likely to be tolerated. In summary, the available evidence is currently insufficient to determine the role of this variant in disease. Therefore, it has been classified as a Variant of Uncertain Significance.